The following is an entry in ClinVar:

ClinVar aggregate classification (germline): Uncertain significance. Review status: criteria provided, multiple submitters, no conflicts (2 of 4 stars). 2 submissions from 2 submitters: Uncertain significance (2). Last evaluated 2021-10-29.

Conditions:
Situs inversus. Also called: Situs inversus totalis. Identifiers: Orphanet 101063, MedGen C4551493, MONDO:0010029, HP:0001696.

Allele frequency attached by ClinVar (database versions not stated): gnomAD exomes 0.00002 and 0.00004; ExAC 0.00007.
gnomAD v4.1: 27 of 1,613,986 alleles (0.0017%); highest among the groups gnomAD compares: Non-Finnish European, 0.0023%; no homozygotes.

Submissions (2):

Ambry Genetics
Classification: Uncertain significance. Last evaluated: 2021-10-29. Review status: criteria provided, single submitter. Criteria: Ambry Variant Classification Scheme 2023. Collection method: clinical testing. Allele origin: germline.

Labcorp Genetics (formerly Invitae), Labcorp
Classification: Uncertain significance for Situs inversus. Last evaluated: 2021-04-19. Review status: criteria provided, single submitter. Criteria: Invitae Variant Classification Sherloc (09022015). Collection method: clinical testing. Allele origin: germline.
Comment: This variant is present in population databases (rs745330016, ExAC 0.01%). This sequence change replaces methionine with threonine at codon 551 of the CFAP52 protein (p.Met551Thr). The methionine residue is highly conserved and there is a moderate physicochemical difference between methionine and threonine. This variant has not been reported in the literature in individuals with CFAP52-related conditions. In summary, the available evidence is currently insufficient to determine the role of this variant in disease. Therefore, it has been classified as a Variant of Uncertain Significance. Algorithms developed to predict the effect of missense changes on protein structure and function are either unavailable or do not agree on the potential impact of this missense change (SIFT: "Deleterious"; PolyPhen-2: "Benign"; Align-GVGD: "Class C45").

NM_145054.5(CFAP52):c.1652T>C (p.Met551Thr)

Gene: CFAP52 (cilia and flagella associated protein 52; plus strand). Cytogenetic location: 17p13.1.
Variant type: single nucleotide variant.
Coding change: c.1652T>C on transcript NM_145054.5 (MANE Select); coding-DNA position 1652, T replaced by C.
Protein change: p.Met551Thr; replaces methionine 551 with threonine.
Molecular consequence: missense variant.
Genome position (GRCh38, 1-based): chr17:9,641,800, T>C. VCF-style: chr17-9641800-T-C. GRCh37 (hg19) VCF-style: chr17-9545117-T-C.
Other names: c.1448T>C, p.Met483Thr (NM_001080556.2); c.1652T>C (NM_145054.4); short protein forms M483T, M551T.
Identifiers: ClinVar variation 1416427 (VCV001416427.9), dbSNP rs745330016, ClinGen allele CA8382302.